The following is an entry in ClinVar:

ClinVar aggregate classification (germline): Uncertain significance (1 of 4 stars; one submission).

Submission:

Labcorp Genetics (formerly Invitae), Labcorp
Classification: Uncertain significance. Last evaluated: 2023-12-11. Review status: criteria provided, single submitter. Criteria: Invitae Variant Classification Sherloc (09022015). Collection method: clinical testing. Allele origin: germline.
Comment: This sequence change replaces glutamic acid, which is acidic and polar, with glycine, which is neutral and non-polar, at codon 238 of the PPP2R1A protein (p.Glu238Gly). This variant is not present in population databases (gnomAD no frequency). This variant has not been reported in the literature in individuals affected with PPP2R1A-related conditions. Advanced modeling of protein sequence and biophysical properties (such as structural, functional, and spatial information, amino acid conservation, physicochemical variation, residue mobility, and thermodynamic stability) performed at Invitae indicates that this missense variant is not expected to disrupt PPP2R1A protein function with a negative predictive value of 80%. In summary, the available evidence is currently insufficient to determine the role of this variant in disease. Therefore, it has been classified as a Variant of Uncertain Significance.

NM_014225.6(PPP2R1A):c.713A>G (p.Glu238Gly)

Gene: PPP2R1A (protein phosphatase 2 scaffold subunit Aalpha; plus strand). Cytogenetic location: 19q13.41.
Variant type: single nucleotide variant.
Coding change: c.713A>G on transcript NM_014225.6 (MANE Select); coding-DNA position 713, A replaced by G.
Protein change: p.Glu238Gly; replaces glutamic acid 238 with glycine.
Molecular consequence: missense variant. On other transcripts: non-coding transcript variant (1).
Genome position (GRCh38, 1-based): chr19:52,213,016, A>G. VCF-style: chr19-52213016-A-G. GRCh37 (hg19) VCF-style: chr19-52716269-A-G.
Other names: c.176A>G, p.Glu59Gly (NM_001363656.2); short protein forms E238G, E59G.
Identifiers: ClinVar variation 2842344 (VCV002842344.3), dbSNP rs2122338121, ClinGen allele CA407184599.